The following is an entry in ClinVar:

NM_004006.3(DMD):c.656dup (p.Asp219fs)

Gene: DMD (dystrophin; minus strand). Cytogenetic location: Xp21.1.
Variant type: Duplication.
Coding change: c.656dup on transcript NM_004006.3 (MANE Select); coding-DNA position 656, one base duplicated (A; older notation c.656dupA).
Protein change: p.Asp219fs; shifts the reading frame from aspartic acid 219.
Molecular consequence: frameshift variant.
Genome position (GRCh38, 1-based): chrX:32,699,287, T duplicated on the plus strand (A on the coding strand, the reverse complement: DMD is on the minus strand). VCF-style (leftmost placement, unchanged base first): chrX-32699286-A-AT. GRCh37 (hg19) VCF-style: chrX-32717403-A-AT.
Other names: c.632dup, p.Asp211fs (NM_000109.4); c.644dup, p.Asp215fs (NM_004009.3); c.287dup, p.Asp96fs (NM_004010.3); c.656dupA (NM_004006.2); short protein forms D96fs, D211fs, D219fs, D215fs.
Identifiers: ClinVar variation 526090 (VCV000526090.7), dbSNP rs1556930839, ClinGen allele CA658799704.
Genomic context (GRCh38, chrX:32,699,286, plus strand): 5'-CAAAACTTGGAAGAGTGATGTGATGTACATTAAGATGGACTTCTTATCTGGATAGGTGGT[A>AT]TCAACATCTGTAAGCACATTAACACTACACATCAATTTTTGGTTTCTATATTTGAGACTC-3'

ClinVar aggregate classification (germline): Pathogenic (1 of 4 stars; one submission).

Conditions:
Duchenne muscular dystrophy (DMD). Also called: Duchenne Muscular Dystrophy (DMD); MUSCULAR DYSTROPHY, PSEUDOHYPERTROPHIC PROGRESSIVE, DUCHENNE TYPE. Identifiers: Orphanet 98896, MedGen C0013264, MONDO:0010679, OMIM 310200.

Submission:

Labcorp Genetics (formerly Invitae), Labcorp
Classification: Pathogenic for Duchenne muscular dystrophy. Last evaluated: 2017-10-05. Review status: criteria provided, single submitter. Criteria: Invitae Variant Classification Sherloc (09022015). Collection method: clinical testing. Allele origin: germline.
Comment: For these reasons, this variant has been classified as Pathogenic. Loss-of-function variants in DMD are known to be pathogenic (PMID: 16770791, 25007885). This variant has not been reported in the literature in individuals with DMD-related disease. This variant is not present in population databases (ExAC no frequency). This sequence change creates a premature translational stop signal (p.Asp219Glufs*7) in the DMD gene. It is expected to result in an absent or disrupted protein product.

Literature cited by the submitters: PubMed 16770791; PubMed 25007885.